The following is an entry in ClinVar:

NM_000169.3(GLA):c.1064dup (p.Asn355fs)

Genes: GLA (galactosidase alpha; minus strand), RPL36A-HNRNPH2 (RPL36A-HNRNPH2 readthrough; plus strand). Cytogenetic location: Xq22.1.
Variant type: Duplication.
Coding change: c.1064dup on transcript NM_000169.3 (MANE Select); coding-DNA position 1064, one base duplicated (A; older notation c.1064dupA).
Protein change: p.Asn355fs; shifts the reading frame from asparagine 355.
Molecular consequence: frameshift variant. On other transcripts: non-coding transcript variant (3), intron variant (2).
Genome position (GRCh38, 1-based): chrX:101,398,035, T duplicated on the plus strand (A on the coding strand, the reverse complement: GLA is on the minus strand); the first of 3 consecutive T bases (chrX:101,398,035-101,398,037); duplicating any one gives the same sequence. VCF-style (leftmost placement, unchanged base first): chrX-101398034-G-GT. GRCh37 (hg19) VCF-style: chrX-100653022-G-GT.
Other names: c.1064dupA (NM_000169.2); c.1187dup, p.Asn396fs (NM_001406747.1); c.300+2580dup (NM_001199973.2); c.177+6215dup (NM_001199974.2); c.1064dup (NM_000169.2); short protein forms N396fs, N355fs.
Identifiers: ClinVar variation 3725764 (VCV003725764.4).

ClinVar aggregate classification (germline): Pathogenic/Likely pathogenic. Review status: criteria provided, multiple submitters, no conflicts (2 of 4 stars). 4 submissions from 4 submitters: Pathogenic (1); Likely pathogenic (3). Last evaluated 2025-11-06.

Conditions:
Fabry disease. Also called: Fabry's disease; ALPHA-GALACTOSIDASE A DEFICIENCY; ANDERSON-FABRY DISEASE; CERAMIDE TRIHEXOSIDASE DEFICIENCY; GLA DEFICIENCY; HEREDITARY DYSTOPIC LIPIDOSIS. Identifiers: Orphanet 324, MedGen C0002986, MONDO:0010526, OMIM 301500, HP:0001071. Disease mechanism: Fabry disease is due to inactivating mutations in the X-linked GLA gene resulting in deficiency of the enzyme Alpha Galactosidase-A., loss of function.
GLA-related disorder. Also called: GLA-related condition.

Submissions (4):

Variantyx, Inc.
Classification: Likely pathogenic for Fabry disease. Last evaluated: 2025-11-06. Review status: criteria provided, single submitter. Criteria: Variantyx Assertion Criteria 2022. Collection method: clinical testing. Allele origin: maternal. Inheritance: X-linked inheritance.
Comment: This is a frameshift variant in the GLA gene (OMIM: 300644). Pathogenic variants in this gene have been associated with X-linked Fabry disease. This variant introduces a premature termination codon in exon 7 out of 7 and is expected to result in loss of function, which is a known disease mechanism for GLA in this disorder (PMID: 17713670; 20505683; 26297554) (PVS1). This variant is absent from control populations (PM2). Based on the current evidence, this variant is classified as likely pathogenic for X-linked Fabry disease.

Revvity Omics, Revvity
Classification: Likely pathogenic. Last evaluated: 2024-11-27. Review status: criteria provided, single submitter. Criteria: ACMG Guidelines, 2015. Collection method: clinical testing. Allele origin: germline.

Labcorp Genetics (formerly Invitae), Labcorp
Classification: Pathogenic for Fabry disease. Last evaluated: 2024-11-21. Review status: criteria provided, single submitter. Criteria: Invitae Variant Classification Sherloc (09022015). Collection method: clinical testing. Allele origin: germline.
Comment: This sequence change creates a premature translational stop signal (p.Asn355Lysfs*20) in the GLA gene. While this is not anticipated to result in nonsense mediated decay, it is expected to disrupt the last 75 amino acid(s) of the GLA protein. This variant is not present in population databases (gnomAD no frequency). This variant has not been reported in the literature in individuals affected with GLA-related conditions. Algorithms developed to predict the effect of sequence changes on RNA splicing suggest that this variant may disrupt the consensus splice site. This variant disrupts a region of the GLA protein in which other variant(s) (p.Thr412Ile) have been determined to be pathogenic (internal data). This suggests that this is a clinically significant region of the protein, and that variants that disrupt it are likely to be disease-causing. For these reasons, this variant has been classified as Pathogenic.

PreventionGenetics, part of Exact Sciences
Classification: Likely pathogenic for GLA-related condition. Last evaluated: 2024-11-03. Review status: criteria provided, single submitter. Criteria: ACMG Guidelines, 2015. Collection method: clinical testing. Allele origin: germline.
Comment: The GLA c.1064dupA variant is predicted to result in a frameshift and premature protein termination (p.Asn355Lysfs*20). To our knowledge, this variant has not been reported in the literature or in a large population database (gnomAD), indicating this variant is rare. Frameshift variants in GLA are expected to be pathogenic. This variant is interpreted as likely pathogenic.

Literature cited by the submitters: PubMed 17713670 (cited by Variantyx, Inc.); PubMed 20505683 (cited by Variantyx, Inc.); PubMed 26297554 (cited by Variantyx, Inc.).